The following is an entry in ClinVar:

NM_000196.4(HSD11B2):c.643G>A (p.Val215Met)

Gene: HSD11B2 (hydroxysteroid 11-beta dehydrogenase 2; plus strand). Cytogenetic location: 16q22.1.
Variant type: single nucleotide variant.
Coding change: c.643G>A on transcript NM_000196.4 (MANE Select); coding-DNA position 643, G replaced by A.
Protein change: p.Val215Met; replaces valine 215 with methionine.
Molecular consequence: missense variant.
Genome position (GRCh38, 1-based): chr16:67,436,121, G>A. VCF-style: chr16-67436121-G-A. GRCh37 (hg19) VCF-style: chr16-67470024-G-A.
Other names: short protein forms V215M.
Identifiers: ClinVar variation 1939300 (VCV001939300.5), dbSNP rs1175274265, ClinGen allele CA396279713.
Genomic context (GRCh38, chr16:67,436,121, plus strand): 5'-GGCGCGCTCGAGCTGACCAAGGGCCTCCTGCCCCTGCTGCGCAGCTCAAGGGGCCGCATC[G>A]TGACTGTGGGGAGCCCAGCGGGTGAGTGCCCCCCCCCACTGGAGCAAAAAGGAGCCCCCT-3'
Protein context (NP_000187.3, residues 205-225): PLLRSSRGRI[Val215Met]TVGSPAGDMP

ClinVar aggregate classification (germline): Uncertain significance (1 of 4 stars; one submission).

Allele frequency attached by ClinVar (database versions not stated): gnomAD exomes below 0.00001.

Submission:

Labcorp Genetics (formerly Invitae), Labcorp
Classification: Uncertain significance. Last evaluated: 2022-01-03. Review status: criteria provided, single submitter. Criteria: Invitae Variant Classification Sherloc (09022015). Collection method: clinical testing. Allele origin: germline.
Comment: This variant has not been reported in the literature in individuals affected with HSD11B2-related conditions. This sequence change replaces valine, which is neutral and non-polar, with methionine, which is neutral and non-polar, at codon 215 of the HSD11B2 protein (p.Val215Met). This variant is present in population databases (no rsID available, gnomAD 0.0009%). Algorithms developed to predict the effect of missense changes on protein structure and function are either unavailable or do not agree on the potential impact of this missense change (SIFT: "Deleterious"; PolyPhen-2: "Probably Damaging"; Align-GVGD: "Class C0"). In summary, the available evidence is currently insufficient to determine the role of this variant in disease. Therefore, it has been classified as a Variant of Uncertain Significance.